The following is an entry in ClinVar:

NM_004281.4(BAG3):c.180+43C>T

Gene: BAG3 (BAG cochaperone 3; plus strand). Cytogenetic location: 10q26.11.
Variant type: single nucleotide variant.
Coding change: c.180+43C>T on transcript NM_004281.4 (MANE Select); 43 bases into the intron after coding-DNA position 180, C replaced by T.
Molecular consequence: intron variant.
Genome position (GRCh38, 1-based): chr10:119,651,898, C>T. VCF-style: chr10-119651898-C-T. GRCh37 (hg19) VCF-style: chr10-121411410-C-T.
Identifiers: ClinVar variation 259262 (VCV000259262.2), dbSNP rs112546447, ClinGen allele CA5716244.

ClinVar aggregate classification (germline): Likely benign. Review status: criteria provided, multiple submitters, no conflicts (2 of 4 stars). 2 submissions from 2 submitters: Likely benign (2). Last evaluated 2018-06-19.

Allele frequency attached by ClinVar (database versions not stated): ESP Exome Variant Server 0.00695; 1000 Genomes Project 0.00958; 1000 Genomes Project 30x 0.00968; gnomAD 0.00999 and 0.01071; TOPMed 0.01096.
gnomAD v4.1: 2,739 of 1,455,460 alleles (0.19%); highest among the groups gnomAD compares: African/African-American, 3.5%; 43 homozygotes.

Submissions (2):

GeneDx
Classification: Likely benign. Last evaluated: 2018-06-19. Review status: criteria provided, single submitter. Criteria: GeneDx Variant Classification (06012015). Collection method: clinical testing. Allele origin: germline. Affected: yes.
Comment: This variant is considered likely benign or benign based on one or more of the following criteria: it is a conservative change, it occurs at a poorly conserved position in the protein, it is predicted to be benign by multiple in silico algorithms, and/or has population frequency not consistent with disease.

PreventionGenetics, part of Exact Sciences
Classification: Likely benign. Review status: criteria provided, single submitter. Criteria: ACMG Guidelines, 2015. Collection method: clinical testing. Allele origin: germline.